The following is an entry in ClinVar:

ClinVar aggregate classification (germline): Uncertain significance (1 of 4 stars; one submission).

Submission:

Labcorp Genetics (formerly Invitae), Labcorp
Classification: Uncertain significance. Last evaluated: 2022-09-19. Review status: criteria provided, single submitter. Criteria: Invitae Variant Classification Sherloc (09022015). Collection method: clinical testing. Allele origin: germline.
Comment: This sequence change falls in intron 17 of the CSF1R gene. It does not directly change the encoded amino acid sequence of the CSF1R protein. It affects a nucleotide within the consensus splice site. This variant has been observed in individual(s) with clinical features of CSF1R-related conditions (Invitae). Variants that disrupt the consensus splice site are a relatively common cause of aberrant splicing (PMID: 17576681, 9536098). Algorithms developed to predict the effect of sequence changes on RNA splicing suggest that this variant may disrupt the consensus splice site. In summary, the available evidence is currently insufficient to determine the role of this variant in disease. Therefore, it has been classified as a Variant of Uncertain Significance. This variant is not present in population databases (gnomAD no frequency).

Literature cited by the submitters: PubMed 17576681; PubMed 9536098.

NM_001288705.3(CSF1R):c.2319+3G>A

Gene: CSF1R (colony stimulating factor 1 receptor; minus strand). Cytogenetic location: 5q32.
Variant type: single nucleotide variant.
Coding change: c.2319+3G>A on transcript NM_001288705.3 (MANE Select); 3 bases into the intron after coding-DNA position 2319, G replaced by A.
Molecular consequence: intron variant.
Genome position (GRCh38, 1-based): chr5:150,057,284, C>T on the plus strand (G>A on the coding strand, the complement: CSF1R is on the minus strand). VCF-style: chr5-150057284-C-T. GRCh37 (hg19) VCF-style: chr5-149436847-C-T.
Other names: c.1875+3G>A (NM_001375321.1); c.2319+3G>A (NM_005211.4, NM_001375320.1, NM_001349736.2).
Identifiers: ClinVar variation 2027107 (VCV002027107.4), dbSNP rs2480955352, ClinGen allele CA2580073873.